The following is an entry in ClinVar:

NM_022788.5(P2RY12):c.661G>A (p.Val221Ile)

Genes: MED12L (mediator complex subunit 12L; plus strand), P2RY12 (purinergic receptor P2Y12; minus strand). Cytogenetic location: 3q25.1.
Variant type: single nucleotide variant.
Coding change: c.661G>A on transcript NM_022788.5 (MANE Select); coding-DNA position 661, G replaced by A.
Protein change: p.Val221Ile; replaces valine 221 with isoleucine.
Molecular consequence: missense variant. On other transcripts: intron variant (2).
Genome position (GRCh38, 1-based): chr3:151,338,185, C>T on the plus strand (G>A on the coding strand, the complement: P2RY12 is on the minus strand). VCF-style: chr3-151338185-C-T. GRCh37 (hg19) VCF-style: chr3-151055973-C-T.
Other names: c.2146-11874C>T (NM_053002.6); c.661G>A, p.Val221Ile (NM_176876.3); c.2251-11874C>T (NM_001393769.1); short protein forms V221I.
Identifiers: ClinVar variation 3607183 (VCV003607183.2).
Genomic context (GRCh38, chr3:151,338,185, plus strand): 5'-TAATGAAAACTTTGACGTTCACCTTTTTCCTGGGGACTTTACCTACACCCCTCGTTCTTA[C>T]GTATGACCGGTACAGTTCTTTTGTAATGAGTGTATAACATACAATAACAATTAAGAAATT-3'
Protein context (NP_073625.1, residues 211-231): LITKELYRSY[Val221Ile]RTRGVGKVPR

ClinVar aggregate classification (germline): Uncertain significance (1 of 4 stars; one submission).

gnomAD v4.1: 11 of 1,613,910 alleles (0.00068%); highest among the groups gnomAD compares: African/African-American, 0.0013%; no homozygotes.

Submission:

Labcorp Genetics (formerly Invitae), Labcorp
Classification: Uncertain significance. Last evaluated: 2025-09-02. Review status: criteria provided, single submitter. Criteria: Invitae Variant Classification Sherloc (09022015). Collection method: clinical testing. Allele origin: germline.
Comment: This sequence change replaces valine, which is neutral and non-polar, with isoleucine, which is neutral and non-polar, at codon 221 of the P2RY12 protein (p.Val221Ile). This variant is present in population databases (no rsID available, gnomAD 0.002%). This variant has not been reported in the literature in individuals affected with P2RY12-related conditions. ClinVar contains an entry for this variant (Variation ID: 3607183). An algorithm developed to predict the effect of missense changes on protein structure and function outputs the following: PolyPhen-2: "Benign". The isoleucine amino acid residue is found in multiple mammalian species, which suggests that this missense change does not adversely affect protein function. In summary, the available evidence is currently insufficient to determine the role of this variant in disease. Therefore, it has been classified as a Variant of Uncertain Significance.